The following is an entry in ClinVar:

ClinVar aggregate classification (germline): Pathogenic. Review status: criteria provided, multiple submitters, no conflicts (2 of 4 stars). 2 submissions from 2 submitters: Pathogenic (2). Last evaluated 2025-07-21.

Conditions:
Respiratory ciliopathies including non-CF bronchiectasis.
Primary ciliary dyskinesia. Also called: Ciliary dyskinesia. Identifiers: Orphanet 244, MedGen C0008780, MONDO:0016575, HP:0012265.

Submissions (2):

Labcorp Genetics (formerly Invitae), Labcorp
Classification: Pathogenic for Primary ciliary dyskinesia. Last evaluated: 2025-07-21. Review status: criteria provided, single submitter. Criteria: Invitae Variant Classification Sherloc (09022015). Collection method: clinical testing. Allele origin: germline.
Comment: This sequence change creates a premature translational stop signal (p.Gln273*) in the DNAH5 gene. It is expected to result in an absent or disrupted protein product. Loss-of-function variants in DNAH5 are known to be pathogenic (PMID: 11788826, 16627867). This variant is not present in population databases (gnomAD no frequency). This variant has not been reported in the literature in individuals affected with DNAH5-related conditions. ClinVar contains an entry for this variant (Variation ID: 3374755). For these reasons, this variant has been classified as Pathogenic.

NHS Central & South Genomic Laboratory Hub
Classification: Pathogenic for Respiratory ciliopathies including non-CF bronchiectasis. Last evaluated: 2024-11-11. Review status: criteria provided, single submitter. Criteria: ACMG Guidelines, 2015. Collection method: clinical testing. Allele origin: germline. Affected: yes.

Literature cited by the submitters: PubMed 11788826 (cited by Labcorp Genetics (formerly Invitae), Labcorp); PubMed 16627867 (cited by Labcorp Genetics (formerly Invitae), Labcorp).

NM_001369.3(DNAH5):c.817C>T (p.Gln273Ter)

Gene: DNAH5 (dynein axonemal heavy chain 5; minus strand). Cytogenetic location: 5p15.2.
Variant type: single nucleotide variant.
Coding change: c.817C>T on transcript NM_001369.3 (MANE Select); coding-DNA position 817, C replaced by T.
Protein change: p.Gln273Ter; replaces glutamine 273 with a stop codon.
Molecular consequence: nonsense.
Genome position (GRCh38, 1-based): chr5:13,919,334, G>A on the plus strand (C>T on the coding strand, the complement: DNAH5 is on the minus strand). VCF-style: chr5-13919334-G-A. GRCh37 (hg19) VCF-style: chr5-13919443-G-A.
Other names: short protein forms Q273*.
Identifiers: ClinVar variation 3374755 (VCV003374755.2).